The following is an entry in ClinVar:

NM_182961.4(SYNE1):c.23139T>C (p.Arg7713=)

Gene: SYNE1 (spectrin repeat containing nuclear envelope protein 1; minus strand). Cytogenetic location: 6q25.2.
Variant type: single nucleotide variant.
Coding change: c.23139T>C on transcript NM_182961.4 (MANE Select); coding-DNA position 23139, T replaced by C.
Protein change: p.Arg7713=; no amino-acid change (arginine 7713 retained).
Molecular consequence: synonymous variant.
Genome position (GRCh38, 1-based): chr6:152,201,830, A>G on the plus strand (T>C on the coding strand, the complement: SYNE1 is on the minus strand). VCF-style: chr6-152201830-A-G. GRCh37 (hg19) VCF-style: chr6-152522965-A-G.
Other names: c.22926T>C, p.Arg7642= (NM_033071.5).
Identifiers: ClinVar variation 618412 (VCV000618412.16), dbSNP rs899533876, ClinGen allele CA150168363.

ClinVar aggregate classification (germline): Likely benign. Review status: criteria provided, multiple submitters, no conflicts (2 of 4 stars). 3 submissions from 3 submitters: Likely benign (3). Last evaluated 2026-01-01.

Conditions:
Emery-Dreifuss muscular dystrophy 4, autosomal dominant (EDMD4). Also called: EMERY-DREIFUSS MUSCULAR DYSTROPHY 4 WITH VARIABLE FEATURES. Identifiers: Orphanet 261, MedGen C2751807, MONDO:0013071, OMIM 612998.
Autosomal recessive ataxia, Beauce type. Also called: SYNE1 Deficiency; SYNE1-Related Autosomal Recessive Cerebellar Ataxia; Spinocerebellar ataxia, autosomal recessive 8; ATAXIA, RECESSIVE, OF BEAUCE. Identifiers: Orphanet 88644, MedGen C1853116, MONDO:0012549, OMIM 610743.

Allele frequency attached by ClinVar (database versions not stated): gnomAD exomes 0.00001; TOPMed 0.00001.
gnomAD v4.1: 9 of 1,613,922 alleles (0.00056%); highest among the groups gnomAD compares: Non-Finnish European, 0.00068%; no homozygotes.

Submissions (3):

CeGaT Center for Human Genetics Tuebingen
Classification: Likely benign. Last evaluated: 2026-01-01. Review status: criteria provided, single submitter. Criteria: CeGaT Center For Human Genetics Tuebingen Variant Classification Criteria Version 2. Collection method: clinical testing. Allele origin: germline. Affected: yes. Observed: 1 variant allele.
Comment: SYNE1: BP4, BP7

Labcorp Genetics (formerly Invitae), Labcorp
Classification: Likely benign for Emery-Dreifuss muscular dystrophy 4, autosomal dominant; Autosomal recessive ataxia, Beauce type. Last evaluated: 2022-06-21. Review status: criteria provided, single submitter. Criteria: Invitae Variant Classification Sherloc (09022015). Collection method: clinical testing. Allele origin: germline.

ARUP Laboratories, Molecular Genetics and Genomics, ARUP Laboratories
Classification: Likely benign. Last evaluated: 2018-05-06. Review status: criteria provided, single submitter. Criteria: ARUP Molecular Germline Variant Investigation Process. Collection method: clinical testing. Allele origin: germline.
Comment: The p.Arg7642Arg variant (rs899533876) does not alter the amino acid sequence of the SYNE1 protein and computational splice site prediction algorithms do not predict a change in the nearest splice site or creation of a cryptic splice site. This variant has not been reported in association with cardiomyopathy in medical literature or in gene specific variation databases. It is absent from general population databases such as 1000 Genomes, NHLBI GO Exome Sequencing Project (ESP), and the Genome Aggregation Database (gnomAD). Based on these observations, the p.Arg7642Arg variant is likely to be benign.